The following is an entry in ClinVar:

ClinVar aggregate classification (germline): Uncertain significance (1 of 4 stars; one submission).

Conditions:
Genitopatellar syndrome (GTPTS). Also called: ABSENT PATELLAE, SCROTAL HYPOPLASIA, RENAL ANOMALIES, FACIAL DYSMORPHISM, AND MENTAL RETARDATION; Genitopatellar syndrome (GPS). Identifiers: Orphanet 85201, MedGen C1853566, MONDO:0011640, OMIM 606170.

Submission:

Labcorp Genetics (formerly Invitae), Labcorp
Classification: Uncertain significance for Genitopatellar syndrome. Last evaluated: 2024-09-14. Review status: criteria provided, single submitter. Criteria: Invitae Variant Classification Sherloc (09022015). Collection method: clinical testing. Allele origin: germline.
Comment: This sequence change replaces proline, which is neutral and non-polar, with threonine, which is neutral and polar, at codon 345 of the KAT6B protein (p.Pro345Thr). This variant is not present in population databases (gnomAD no frequency). This variant has not been reported in the literature in individuals affected with KAT6B-related conditions. Invitae Evidence Modeling of protein sequence and biophysical properties (such as structural, functional, and spatial information, amino acid conservation, physicochemical variation, residue mobility, and thermodynamic stability) has been performed for this missense variant. However, the output from this modeling did not meet the statistical confidence thresholds required to predict the impact of this variant on KAT6B protein function. In summary, the available evidence is currently insufficient to determine the role of this variant in disease. Therefore, it has been classified as a Variant of Uncertain Significance.

NM_012330.4(KAT6B):c.1033C>A (p.Pro345Thr)

Gene: KAT6B (lysine acetyltransferase 6B; plus strand). Cytogenetic location: 10q22.2.
Variant type: single nucleotide variant.
Coding change: c.1033C>A on transcript NM_012330.4 (MANE Select); coding-DNA position 1033, C replaced by A.
Protein change: p.Pro345Thr; replaces proline 345 with threonine.
Molecular consequence: missense variant. On other transcripts: intron variant (5).
Genome position (GRCh38, 1-based): chr10:74,972,611, C>A. VCF-style: chr10-74972611-C-A. GRCh37 (hg19) VCF-style: chr10-76732369-C-A.
Other names: c.1033C>A, p.Pro345Thr (NM_001256468.2, NM_001256469.2, NM_001370132.1 and 7 more transcripts); c.846+2836C>A (NM_001370133.1); c.193-6613C>A (NM_001370134.1); c.928+2510C>A (NM_001370143.1, NM_001370144.1); c.192+12533C>A (NM_001370135.1); short protein forms P345T.
Identifiers: ClinVar variation 3666683 (VCV003666683.2).